The following is an entry in ClinVar:

ClinVar aggregate classification (germline): Uncertain significance (1 of 4 stars; one submission).

Conditions:
Leigh syndrome (NULS). Also called: Leigh's necrotizing encephalopathy; Leigh's disease; Leigh's syndrome; LEIGH SYNDROME, NUCLEAR; Leigh Syndrome (mtDNA deletion); Leigh Disease. Identifiers: Orphanet 506, MedGen C2931891, MONDO:0009723, OMIM 256000.

Submission:

Wong Mito Lab, Molecular and Human Genetics, Baylor College of Medicine
Classification: Uncertain significance for Leigh syndrome. Last evaluated: 2019-10-17. Review status: criteria provided, single submitter. Criteria: Modified ACMG Guidelines (Unpublished). Collection method: clinical testing. Allele origin: germline.
Comment: The NC_012920.1:m.14375A>C (YP_003024037.1:p.Tyr100Gly) variant in MTND6 gene is interpretated to be a Uncertain Significance variant based on the modified ACMG guidelines (unpublished). This variant meets the following evidence codes: PP7, BP4

NC_012920.1(MT-ND6):m.14375A>C

Gene: MT-ND6 (mitochondrially encoded NADH dehydrogenase 6; minus strand).
Variant type: single nucleotide variant.
Genome position: chrM-14375-A-C.
Identifiers: ClinVar variation 693716 (VCV000693716.1), dbSNP rs1603224702, ClinGen allele CA414822183.